The following is an entry in ClinVar:

NM_000369.5(TSHR):c.1222T>C (p.Cys408Arg)

Genes: TSHR (thyroid stimulating hormone receptor; plus strand), TSHR-AS1 (TSHR antisense RNA 1; minus strand). Cytogenetic location: 14q31.1.
Variant type: single nucleotide variant.
Coding change: c.1222T>C on transcript NM_000369.5 (MANE Select); coding-DNA position 1222, T replaced by C.
Protein change: p.Cys408Arg; replaces cysteine 408 with arginine.
Molecular consequence: missense variant.
Genome position (GRCh38, 1-based): chr14:81,143,280, T>C. VCF-style: chr14-81143280-T-C. GRCh37 (hg19) VCF-style: chr14-81609624-T-C.
Other names: short protein forms C408R.
Identifiers: ClinVar variation 884222 (VCV000884222.7), dbSNP rs199702292, ClinGen allele CA7294415.
Genomic context (GRCh38, chr14:81,143,280, plus strand): 5'-ACCATATGTGGGGACAGTGAAGACATGGTGTGTACCCCCAAGTCCGATGAGTTCAACCCG[T>C]GTGAAGACATAATGGGCTACAAGTTCCTGAGAATTGTGGTGTGGTTCGTTAGTCTGCTGG-3'
Protein context (NP_000360.2, residues 398-418): CTPKSDEFNP[Cys408Arg]EDIMGYKFLR

ClinVar aggregate classification (germline): Uncertain significance. Review status: criteria provided, multiple submitters, no conflicts (2 of 4 stars). 5 submissions from 4 submitters: Uncertain significance (5). Last evaluated 2025-11-14.

Conditions:
Hypothyroidism due to TSH receptor mutations. Also called: Hypothyroidism, congenital, nongoitrous, 1; HYPOTHYROIDISM DUE TO UNRESPONSIVENESS TO THYROTROPIN; HYPOTHYROIDISM, CONGENITAL, DUE TO TSH RESISTANCE; HYPOTHYROIDISM, NONAUTOIMMUNE; THYROID-STIMULATING HORMONE, RESISTANCE TO; TSH RESISTANCE. Identifiers: Orphanet 90673, MedGen C3493776, MONDO:0010142, OMIM 275200.
Familial hyperthyroidism due to mutations in TSH receptor. Also called: HYPERTHYROIDISM, CONGENITAL NONAUTOIMMUNE; HYPERTHYROIDISM, NONAUTOIMMUNE, AUTOSOMAL DOMINANT; TOXIC THYROID HYPERPLASIA, AUTOSOMAL DOMINANT. Identifiers: Orphanet 424, MedGen C1836706, MONDO:0012203, OMIM 609152.

Allele frequency attached by ClinVar (database versions not stated): gnomAD 0.00001 and 0.00002; gnomAD exomes 0.00001; TOPMed 0.00001; ExAC 0.00002; 1000 Genomes Project 0.00020; 1000 Genomes Project 30x 0.00031.
gnomAD v4.1: 12 of 1,614,162 alleles (0.00074%); highest among the groups gnomAD compares: Admixed American, 0.0033%; no homozygotes.

Submissions (5):

Women's Health and Genetics/Laboratory Corporation of America, LabCorp
Classification: Uncertain significance. Last evaluated: 2025-11-14. Review status: criteria provided, single submitter. Criteria: LabCorp Variant Classification Summary - May 2015. Collection method: clinical testing. Allele origin: germline.
Comment: Variant summary: TSHR c.1222T>C (p.Cys408Arg) results in a non-conservative amino acid change in the encoded protein sequence. Algorithms developed to predict the effect of missense changes on protein structure and function all suggest that this variant is likely to be disruptive. The variant allele was found at a frequency of 8e-06 in 251492 control chromosomes (gnomAD). The available data on variant occurrences in the general population are insufficient to allow any conclusion about variant significance. c.1222T>C has been observed in at least one individual affected with Hypothyroidism Due To TSH Receptor Mutations (Long_2018). The report does not provide unequivocal conclusions about association of the variant with Hypothyroidism Due To TSH Receptor Mutations. To our knowledge, no experimental evidence demonstrating an impact on protein function has been reported. The following publications have been ascertained in the context of this evaluation (PMID: 30022773, 34377013). ClinVar contains an entry for this variant (Variation ID: 884222). Based on the evidence outlined above, the variant was classified as uncertain significance.

Clinical Genetics Laboratory, Skane University Hospital Lund
Classification: Uncertain significance. Last evaluated: 2024-02-07. Review status: criteria provided, single submitter. Criteria: ACMG Guidelines, 2015. Collection method: clinical testing. Allele origin: germline. Affected: yes.

GeneDx
Classification: Uncertain significance. Last evaluated: 2019-09-09. Review status: criteria provided, single submitter. Criteria: GeneDx Variant Classification Process June 2021. Collection method: clinical testing. Allele origin: germline. Affected: yes.
Comment: In silico analysis, which includes protein predictors and evolutionary conservation, supports a deleterious effect; Missense variants in nearby residues reported in the Human Gene Mutation Database (Stenson et al., 2014); This variant is associated with the following publications: (PMID: 30022773)

Illumina Laboratory Services, Illumina
Classification: Uncertain significance for Familial hyperthyroidism due to mutations in TSH receptor. Last evaluated: 2018-01-12. Review status: criteria provided, single submitter. Criteria: ICSL Variant Classification Criteria 13 December 2019. Collection method: clinical testing. Allele origin: germline.

Illumina Laboratory Services, Illumina
Classification: Uncertain significance for Hypothyroidism due to TSH receptor mutations. Last evaluated: 2018-01-12. Review status: criteria provided, single submitter. Criteria: ICSL Variant Classification Criteria 13 December 2019. Collection method: clinical testing. Allele origin: germline.

Literature cited by the submitters: PubMed 30022773 (cited by Women's Health and Genetics/Laboratory Corporation of America, LabCorp); PubMed 34377013 (cited by Women's Health and Genetics/Laboratory Corporation of America, LabCorp).